The following is an entry in ClinVar:

ClinVar aggregate classification (germline): Pathogenic (1 of 4 stars; one submission).

Conditions:
Glycogen storage disease type III (GSD3). Also called: FORBES DISEASE; Cori disease. Identifiers: Orphanet 366, MedGen C0017922, MONDO:0009291, OMIM 232400.

Submission:

Labcorp Genetics (formerly Invitae), Labcorp
Classification: Pathogenic for Glycogen storage disease type III. Last evaluated: 2017-02-15. Review status: criteria provided, single submitter. Criteria: Invitae Variant Classification Sherloc (09022015). Collection method: clinical testing. Allele origin: germline.
Comment: This variant is a deletion of the genomic region encompassing the last 110 nucleotides of exon 26 and most of intron 26 of the AGL gene (c.3479_3589-407del). This creates a premature translational stop signal and is expected to result in an absent or disrupted protein product. While this particular variant has not been reported in the literature, loss-of-function variants in AGL are known to be pathogenic (PMID: 26984562, 27106217). For these reasons, this variant has been classified as Pathogenic.

NC_000001.10:g.(?_100366308)_(100367832_?)del

Gene: AGL (amylo-alpha-1,6-glucosidase and 4-alpha-glucanotransferase; plus strand). Cytogenetic location: 1p21.2.
Variant type: Deletion.
Identifiers: ClinVar variation 456446 (VCV000456446.1).